The following is an entry in ClinVar:

NM_001379200.1(TBX1):c.1431_1439del (p.Ala483_Ala485del)

Gene: TBX1 (T-box transcription factor 1; plus strand). Cytogenetic location: 22q11.21.
Variant type: Deletion.
Coding change: c.1431_1439del on transcript NM_001379200.1 (MANE Select); coding-DNA positions 1431 to 1439, 9 bases deleted (CGCTGCCGC; older notation c.1431_1439delCGCTGCCGC).
Protein change: p.Ala483_Ala485del.
Molecular consequence: inframe deletion. On other transcripts: intron variant (2).
Genome position (GRCh38, 1-based): chr22:19,766,783-19,766,791, CGCTGCCGC deleted; deleting any 9 consecutive bases within chr22:19,766,778-19,766,791 gives the same sequence; the c. name uses the placement nearest the transcript's 3' end. VCF-style (leftmost placement, unchanged base first): chr22-19766777-CGCCGCCGCT-C. GRCh37 (hg19) VCF-style: chr22-19754300-CGCCGCCGCT-C.
Other names: c.1404_1412delCGCTGCCGC (NM_080647.1); c.1404_1412del, p.Ala474_Ala476del (NM_080647.1); c.1009+781_1009+789del (NM_005992.1, NM_080646.2); c.1404_1412del9 (NM_080647.1).
Identifiers: ClinVar variation 503651 (VCV000503651.16), dbSNP rs774489872, ClinGen allele CA10102759.
Genomic context (GRCh38, chr22:19,766,777, plus strand): 5'-CCACCCGCACGCGCATCCGCACCACCACCACCACCCCGTGAGTCCAGCCGCCGCGGCCGC[CGCCGCCGCT>C]GCCGCAGCTGCCGCGGCCGCCAACATGTACTCGTCGGCCGGAGCCGCGCCGCCCGGCTCC-3'

ClinVar aggregate classification (germline): Conflicting classifications of pathogenicity. Review status: criteria provided, conflicting classifications (1 of 4 stars). 5 submissions from 5 submitters: Uncertain significance (1); Likely benign (4). Last evaluated 2026-10-15.

Conditions:
TBX1-related disorder. Also called: TBX1-Related Disorders; TBX1-related condition.
Cardiovascular phenotype. Identifiers: MedGen CN230736.
DiGeorge syndrome. Also called: THIRD AND FOURTH PHARYNGEAL POUCH SYNDROME; Catch22. Identifiers: Orphanet 567, MedGen C0012236, MONDO:0008564, OMIM 188400.

Submissions (5):

GeneDx
Classification: Uncertain significance. Last evaluated: 2026-10-15. Review status: criteria provided, single submitter. Criteria: GeneDx Variant Classification Process June 2021. Collection method: clinical testing. Allele origin: germline.
Comment: Reported in a patient with DiGeorge syndrome in published literature; this variant was noted to be maternally inherited and clinical information was not provided (PMID: 11748311); In silico analysis suggests that this variant does not alter protein structure/function; This variant is associated with the following publications: (PMID: 30487145, 11748311)

Ambry Genetics
Classification: Likely benign for Cardiovascular phenotype. Last evaluated: 2026-03-04. Review status: criteria provided, single submitter. Criteria: Ambry Variant Classification Scheme 2023. Collection method: clinical testing. Allele origin: germline.

PreventionGenetics, part of Exact Sciences
Classification: Likely benign for TBX1-related condition. Last evaluated: 2025-09-02. Review status: criteria provided, single submitter. Criteria: ACMG Guidelines, 2015. Collection method: clinical testing. Allele origin: germline.
Comment: This variant is classified as likely benign based on ACMG/AMP sequence variant interpretation guidelines (Richards et al. 2015 PMID: 25741868, with internal and published modifications).

Labcorp Genetics (formerly Invitae), Labcorp
Classification: Likely benign for DiGeorge syndrome. Last evaluated: 2025-08-12. Review status: criteria provided, single submitter. Criteria: Invitae Variant Classification Sherloc (09022015). Collection method: clinical testing. Allele origin: germline.

Women's Health and Genetics/Laboratory Corporation of America, LabCorp
Classification: Likely benign. Last evaluated: 2025-03-07. Review status: criteria provided, single submitter. Criteria: LabCorp Variant Classification Summary - May 2015. Collection method: clinical testing. Allele origin: germline.
Comment: Variant summary: TBX1 c.1404_1412delCGCTGCCGC (p.Ala474_Ala476del) results in an in-frame deletion that is predicted to remove 3 alanines from an alanine tract region in the encoded protein. The variant allele was found at a frequency of 0.00026 in 96080 control chromosomes, predominantly at a frequency of 0.0042 within the Ashkenazi Jewish subpopulation in the gnomAD database. The observed variant frequency within Ashkenazi Jewish control individuals in the gnomAD database exceeds the estimated maximal expected allele frequency for a pathogenic variant in TBX1 causing TBX1-Related Disorders phenotype. In addition, several other in-frame deletions/duplications are reported in this region with high allele frequencies. The variant, c.1404_1412delCGCTGCCGC has been reported in the literature in an individual with features consistent with a TBX1-Related Disorder, but was also found in at least one unaffected individual (e.g., Gong_2001, Rego_2018). To our knowledge, no experimental evidence demonstrating an impact on protein function has been reported. The following publications have been ascertained in the context of this evaluation (PMID: 11748311, 30487145). ClinVar contains an entry for this variant (Variation ID: 503651). Based on the evidence outlined above, the variant was classified as likely benign.

Literature cited by the submitters: PubMed 30487145 (cited by Women's Health and Genetics/Laboratory Corporation of America, LabCorp); PubMed 11748311 (cited by Women's Health and Genetics/Laboratory Corporation of America, LabCorp).